The following is an entry in ClinVar:

ClinVar aggregate classification (germline): Uncertain significance. Review status: criteria provided, multiple submitters, no conflicts (2 of 4 stars). 2 submissions from 2 submitters: Uncertain significance (2). Last evaluated 2026-02-03.

Conditions:
Bethlem myopathy 1C (BTHLM1C). Identifiers: MedGen C5935581, MONDO:0958234, OMIM 620726.
Bethlem myopathy 1A. Also called: MYOPATHY, BENIGN CONGENITAL, WITH CONTRACTURES; Bethlem Muscular Dystrophy; Bethlem myopathy 1. Identifiers: Orphanet 610, MedGen CN029274, MONDO:0024530, OMIM 158810.

Allele frequency attached by ClinVar (database versions not stated): gnomAD exomes 0.00001.
gnomAD v4.1: 5 of 1,614,188 alleles (0.00031%); highest among the groups gnomAD compares: Non-Finnish European, 0.00042%; no homozygotes.

Submissions (2):

Laboratory Cellgenetics, GMDL Cellgenetics
Classification: Uncertain significance for Bethlem myopathy 1C. Last evaluated: 2026-02-03. Review status: criteria provided, single submitter. Criteria: ACMG Guidelines, 2015. Collection method: clinical testing. Allele origin: maternal. Inheritance: Autosomal recessive inheritance. Affected: yes.
Comment: PM1, PM2

Labcorp Genetics (formerly Invitae), Labcorp
Classification: Uncertain significance for Bethlem myopathy 1A. Last evaluated: 2021-10-15. Review status: criteria provided, single submitter. Criteria: Invitae Variant Classification Sherloc (09022015). Collection method: clinical testing. Allele origin: germline.
Comment: This sequence change replaces arginine with tryptophan at codon 1769 of the COL6A3 protein (p.Arg1769Trp). The arginine residue is weakly conserved and there is a moderate physicochemical difference between arginine and tryptophan. This variant is not present in population databases (ExAC no frequency). This variant has not been reported in the literature in individuals affected with COL6A3-related conditions. Advanced modeling of protein sequence and biophysical properties (such as structural, functional, and spatial information, amino acid conservation, physicochemical variation, residue mobility, and thermodynamic stability) performed at Invitae indicates that this missense variant is not expected to disrupt COL6A3 protein function. In summary, the available evidence is currently insufficient to determine the role of this variant in disease. Therefore, it has been classified as a Variant of Uncertain Significance.

NM_004369.4(COL6A3):c.5305A>T (p.Arg1769Trp)

Gene: COL6A3 (collagen type VI alpha 3 chain; minus strand). Cytogenetic location: 2q37.3.
Variant type: single nucleotide variant.
Coding change: c.5305A>T on transcript NM_004369.4 (MANE Select); coding-DNA position 5305, A replaced by T.
Protein change: p.Arg1769Trp; replaces arginine 1769 with tryptophan.
Molecular consequence: missense variant.
Genome position (GRCh38, 1-based): chr2:237,366,882, T>A on the plus strand (A>T on the coding strand, the complement: COL6A3 is on the minus strand). VCF-style: chr2-237366882-T-A. GRCh37 (hg19) VCF-style: chr2-238275525-T-A.
Other names: c.3484A>T, p.Arg1162Trp (NM_057166.5); c.4687A>T, p.Arg1563Trp (NM_057167.4); c.5305A>T (NM_004369.3); short protein forms R1563W, R1162W, R1769W.
Identifiers: ClinVar variation 1448443 (VCV001448443.9), dbSNP rs2106350563, ClinGen allele CA351187757.